The following is an entry in ClinVar:

NM_001458.5(FLNC):c.5132C>T (p.Pro1711Leu)

Gene: FLNC (filamin C; plus strand). Cytogenetic location: 7q32.1.
Variant type: single nucleotide variant.
Coding change: c.5132C>T on transcript NM_001458.5 (MANE Select); coding-DNA position 5132, C replaced by T.
Protein change: p.Pro1711Leu; replaces proline 1711 with leucine.
Molecular consequence: missense variant.
Genome position (GRCh38, 1-based): chr7:128,849,511, C>T. VCF-style: chr7-128849511-C-T. GRCh37 (hg19) VCF-style: chr7-128489565-C-T.
Other names: c.5132C>T, p.Pro1711Leu (NM_001127487.2); short protein forms P1711L.
Identifiers: ClinVar variation 569395 (VCV000569395.17), dbSNP rs748879903, ClinGen allele CA4475563.

ClinVar aggregate classification (germline): Uncertain significance. Review status: criteria provided, multiple submitters, no conflicts (2 of 4 stars). 5 submissions from 5 submitters: Uncertain significance (5). Last evaluated 2026-09-21.

Conditions:
Distal myopathy with posterior leg and anterior hand involvement. Also called: WILLIAMS DISTAL MYOPATHY. Identifiers: Orphanet 63273, MedGen C3279722, MONDO:0013550, OMIM 614065.
Hypertrophic cardiomyopathy 26. Also called: Cardiomyopathy, familial hypertrophic, 26. Identifiers: Orphanet 75249, MedGen C4310749, MONDO:0014883, OMIM 617047.
Myofibrillar myopathy 5. Also called: Filaminopathy (type); FILAMINOPATHY, AUTOSOMAL DOMINANT. Identifiers: Orphanet 171445, MedGen C1836050, MONDO:0012289, OMIM 609524.
Cardiovascular phenotype. Identifiers: MedGen CN230736.

Allele frequency attached by ClinVar (database versions not stated): ExAC 0.00002; gnomAD exomes 0.00004 and 0.00001; TOPMed 0.00002; gnomAD 0.00001.
gnomAD v4.1: 60 of 1,614,078 alleles (0.0037%); highest among the groups gnomAD compares: East Asian, 0.0067%; no homozygotes.

Submissions (5):

Molecular Diagnostic Laboratory for Inherited Cardiovascular Disease, Montreal Heart Institute
Classification: Uncertain significance for Cardiovascular phenotype. Last evaluated: 2026-09-21. Review status: criteria provided, single submitter. Criteria: ACMG Guidelines, 2015. Collection method: clinical testing. Allele origin: germline. Affected: yes.

Labcorp Genetics (formerly Invitae), Labcorp
Classification: Uncertain significance for Distal myopathy with posterior leg and anterior hand involvement; Myofibrillar myopathy 5; Hypertrophic cardiomyopathy 26. Last evaluated: 2025-10-23. Review status: criteria provided, single submitter. Criteria: Invitae Variant Classification Sherloc (09022015). Collection method: clinical testing. Allele origin: germline.
Comment: This sequence change replaces proline, which is neutral and non-polar, with leucine, which is neutral and non-polar, at codon 1711 of the FLNC protein (p.Pro1711Leu). This variant is present in population databases (rs748879903, gnomAD 0.002%). This missense change has been observed in individual(s) with hypertrophic cardiomyopathy (PMID: 30411535). ClinVar contains an entry for this variant (Variation ID: 569395). Invitae Evidence Modeling of protein sequence and biophysical properties (such as structural, functional, and spatial information, amino acid conservation, physicochemical variation, residue mobility, and thermodynamic stability) has been performed for this missense variant. However, the output from this modeling did not meet the statistical confidence thresholds required to predict the impact of this variant on FLNC protein function. In summary, the available evidence is currently insufficient to determine the role of this variant in disease. Therefore, it has been classified as a Variant of Uncertain Significance.

Ambry Genetics
Classification: Uncertain significance for Cardiovascular phenotype. Last evaluated: 2024-02-13. Review status: criteria provided, single submitter. Criteria: Ambry Variant Classification Scheme 2023. Collection method: clinical testing. Allele origin: germline.
Comment: The p.P1711L variant (also known as c.5132C>T), located in coding exon 30 of the FLNC gene, results from a C to T substitution at nucleotide position 5132. The proline at codon 1711 is replaced by leucine, an amino acid with similar properties. This variant was reported in a hypertrophic cardiomyopathy cohort; however, clinical details were limited (Cui H et al. Mol Genet Genomic Med, 2018 11;6:1104-1113). This amino acid position is highly conserved in available vertebrate species. In addition, this alteration is predicted to be deleterious by in silico analysis. Since supporting evidence is limited at this time, the clinical significance of this alteration remains unclear.

Blueprint Genetics
Classification: Uncertain significance. Last evaluated: 2022-05-06. Review status: criteria provided, single submitter. Criteria: ACMG Guidelines, 2015. Collection method: clinical testing. Allele origin: germline.

Fulgent Genetics
Classification: Uncertain significance for Myofibrillar myopathy 5; Distal myopathy with posterior leg and anterior hand involvement; Hypertrophic cardiomyopathy 26. Last evaluated: 2021-09-02. Review status: criteria provided, single submitter. Criteria: ACMG Guidelines, 2015. Collection method: clinical testing. Allele origin: unknown.

Literature cited by the submitters: PubMed 30411535 (cited by Labcorp Genetics (formerly Invitae), Labcorp and Ambry Genetics).